The following is an entry in ClinVar:

NM_000090.4(COL3A1):c.1253C>A (p.Pro418Gln)

Gene: COL3A1 (collagen type III alpha 1 chain; plus strand). Cytogenetic location: 2q32.2.
Variant type: single nucleotide variant.
Coding change: c.1253C>A on transcript NM_000090.4 (MANE Select); coding-DNA position 1253, C replaced by A.
Protein change: p.Pro418Gln; replaces proline 418 with glutamine.
Molecular consequence: missense variant.
Genome position (GRCh38, 1-based): chr2:188,994,292, C>A. VCF-style: chr2-188994292-C-A. GRCh37 (hg19) VCF-style: chr2-189859018-C-A.
Other names: short protein forms P418Q.
Identifiers: ClinVar variation 3769109 (VCV003769109.3).

ClinVar aggregate classification (germline): Uncertain significance. Review status: criteria provided, multiple submitters, no conflicts (2 of 4 stars). 2 submissions from 2 submitters: Uncertain significance (2). Last evaluated 2025-05-08.

Conditions:
Ehlers-Danlos syndrome, type 4 (EDSVASC). Also called: Ehlers-Danlos syndrome vascular type; Ehlers Danlos syndrome, ecchymotic type; Ehlers Danlos syndrome, arterial type; Ehlers Danlos syndrome, Sack-Barabas type; Ehlers-Danlos Syndrome Type IV. Identifiers: Orphanet 286, MedGen C0268338, MONDO:0017314, OMIM 130050.

Submissions (2):

Labcorp Genetics (formerly Invitae), Labcorp
Classification: Uncertain significance for Ehlers-Danlos syndrome, type 4. Last evaluated: 2025-05-08. Review status: criteria provided, single submitter. Criteria: Invitae Variant Classification Sherloc (09022015). Collection method: clinical testing. Allele origin: germline.
Comment: This sequence change replaces proline, which is neutral and non-polar, with glutamine, which is neutral and polar, at codon 418 of the COL3A1 protein (p.Pro418Gln). This variant is not present in population databases (gnomAD no frequency). This variant has not been reported in the literature in individuals affected with COL3A1-related conditions. ClinVar contains an entry for this variant (Variation ID: 3769109). Invitae Evidence Modeling of protein sequence and biophysical properties (such as structural, functional, and spatial information, amino acid conservation, physicochemical variation, residue mobility, and thermodynamic stability) indicates that this missense variant is not expected to disrupt COL3A1 protein function with a negative predictive value of 95%. In summary, the available evidence is currently insufficient to determine the role of this variant in disease. Therefore, it has been classified as a Variant of Uncertain Significance.

Women's Health and Genetics/Laboratory Corporation of America, LabCorp
Classification: Uncertain significance. Last evaluated: 2025-01-14. Review status: criteria provided, single submitter. Criteria: LabCorp Variant Classification Summary - May 2015. Collection method: clinical testing. Allele origin: germline.
Comment: Variant summary: COL3A1 c.1253C>A (p.Pro418Gln) results in a non-conservative amino acid change in the encoded protein sequence. Four of five in-silico tools predict a damaging effect of the variant on protein function. The frequency data for this variant in gnomAD is considered unreliable, as metrics indicate poor data quality at this position. To our knowledge, no occurrence of c.1253C>A in individuals affected with Polymicrogyria with or without vascular-type Ehlers-Danlos syndrome and no experimental evidence demonstrating its impact on protein function have been reported. No submitters have cited clinical-significance assessments for this variant to ClinVar. Based on the evidence outlined above, the variant was classified as uncertain significance.